The following is an entry in ClinVar:

ClinVar aggregate classification (germline): Conflicting classifications of pathogenicity. Review status: criteria provided, conflicting classifications (1 of 4 stars). 3 submissions from 3 submitters: Likely pathogenic (1); Uncertain significance (2). Last evaluated 2024-04-01.

Conditions:
Mucopolysaccharidosis, MPS-I-H/S. Also called: Mucopolysaccharidosis type IH/S. Identifiers: Orphanet 93476, MedGen C0086431, MONDO:0011759, OMIM 607015.
Hurler syndrome. Also called: MUCOPOLYSACCHARIDOSIS TYPE IH; Severe MPS I (Hurler Syndrome); Gargoylism, Hurler Syndrome. Identifiers: Orphanet 93473, MedGen C0086795, MONDO:0011758, OMIM 607014.
Mucopolysaccharidosis, MPS-I-S. Also called: MUCOPOLYSACCHARIDOSIS TYPE IS; MPS V; MUCOPOLYSACCHARIDOSIS TYPE V; Scheie Syndrome. Identifiers: Orphanet 93474, MedGen C0026708, MONDO:0011760, OMIM 607016.

Allele frequency attached by ClinVar (database versions not stated): gnomAD exomes below 0.00001.
gnomAD v4.1: 4 of 1,609,902 alleles (0.00025%); highest among the groups gnomAD compares: Non-Finnish European, 0.00034%; no homozygotes.

Submissions (3):

Fulgent Genetics
Classification: Likely pathogenic for Hurler syndrome; Mucopolysaccharidosis, MPS-I-H/S; Mucopolysaccharidosis, MPS-I-S. Last evaluated: 2024-04-01. Review status: criteria provided, single submitter. Criteria: ACMG Guidelines, 2015. Collection method: clinical testing. Allele origin: germline.

Women's Health and Genetics/Laboratory Corporation of America, LabCorp
Classification: Uncertain significance. Last evaluated: 2024-03-29. Review status: criteria provided, single submitter. Criteria: LabCorp Variant Classification Summary - May 2015. Collection method: clinical testing. Allele origin: germline.
Comment: Variant summary: IDUA c.1088G>T (p.Arg363Leu) results in a non-conservative amino acid change located in the Glycosyl hydrolases family 39, N-terminal catalytic domain (IPR049166) of the encoded protein sequence. Five of five in-silico tools predict a damaging effect of the variant on protein function. The variant allele was found at a frequency of 4.2e-06 in 240008 control chromosomes (gnomAD). The available data on variant occurrences in the general population are insufficient to allow any conclusion about variant significance. c.1088G>T has been reported in the literature in at-least one individual affected with Mucopolysaccharidosis Type 1 (example: Clarke_2019). These data do not allow any conclusion about variant significance. To our knowledge, no experimental evidence demonstrating an impact on protein function has been reported. The following publication has been ascertained in the context of this evaluation (PMID: 31194252). ClinVar contains an entry for this variant (Variation ID: 2432744). Based on the evidence outlined above, the variant was classified as uncertain significance.

Revvity Omics, Revvity
Classification: Uncertain significance. Last evaluated: 2021-02-12. Review status: criteria provided, single submitter. Criteria: ACMG Guidelines, 2015. Collection method: clinical testing. Allele origin: germline.

Literature cited by the submitters: PubMed 31194252 (cited by Women's Health and Genetics/Laboratory Corporation of America, LabCorp).

NM_000203.5(IDUA):c.1088G>T (p.Arg363Leu)

Gene: IDUA (alpha-L-iduronidase; plus strand). Cytogenetic location: 4p16.3.
Variant type: single nucleotide variant.
Coding change: c.1088G>T on transcript NM_000203.5 (MANE Select); coding-DNA position 1088, G replaced by T.
Protein change: p.Arg363Leu; replaces arginine 363 with leucine.
Molecular consequence: missense variant. On other transcripts: non-coding transcript variant (1).
Genome position (GRCh38, 1-based): chr4:1,002,384, G>T. VCF-style: chr4-1002384-G-T. GRCh37 (hg19) VCF-style: chr4-996172-G-T.
Other names: c.692G>T, p.Arg231Leu (NM_001363576.1); short protein forms R231L, R363L.
Identifiers: ClinVar variation 2432744 (VCV002432744.6), dbSNP rs1416427527, ClinGen allele CA355963307.
Genomic context (GRCh38, chr4:1,002,384, plus strand): 5'-ACGCGCTCCTGAGCAACGACAATGCCTTCCTGAGCTACCACCCGCACCCCTTCGCGCAGC[G>T]CACGCTCACCGCGCGCTTCCAGGTCAACAACACCCGCCCGCCGCACGTGCAGCTGTTGCG-3'
Protein context (NP_000194.2, residues 353-373): LSYHPHPFAQ[Arg363Leu]TLTARFQVNN